The following is an entry in ClinVar:

NM_032043.3(BRIP1):c.2538T>G (p.Asp846Glu)

Gene: BRIP1 (BRCA1 interacting DNA helicase 1; minus strand). Cytogenetic location: 17q23.2.
Variant type: single nucleotide variant.
Coding change: c.2538T>G on transcript NM_032043.3 (MANE Select); coding-DNA position 2538, T replaced by G.
Protein change: p.Asp846Glu; replaces aspartic acid 846 with glutamic acid.
Molecular consequence: missense variant.
Genome position (GRCh38, 1-based): chr17:61,693,467, A>C on the plus strand (T>G on the coding strand, the complement: BRIP1 is on the minus strand). VCF-style: chr17-61693467-A-C. GRCh37 (hg19) VCF-style: chr17-59770828-A-C.
Other names: short protein forms D846E.
Identifiers: ClinVar variation 1718319 (VCV001718319.9), dbSNP rs2144186341, ClinGen allele CA400482413.

ClinVar aggregate classification (germline): Uncertain significance. Review status: criteria provided, multiple submitters, no conflicts (2 of 4 stars). 3 submissions from 3 submitters: Uncertain significance (3). Last evaluated 2025-12-01.

Conditions:
Familial cancer of breast. Also called: BREAST CANCER, FAMILIAL; Hereditary breast cancer; hereditary breast carcinoma. Identifiers: Orphanet 227535, MedGen C0346153, MONDO:0016419, OMIM 114480. Disease mechanism: loss of function.
Fanconi anemia complementation group J. Also called: BRIP1-Related Fanconi Anemia. Identifiers: Orphanet 84, MedGen C1836860, MONDO:0012187, OMIM 609054.
Hereditary cancer-predisposing syndrome. Also called: Hereditary neoplastic syndrome; Tumor predisposition; Neoplastic Syndromes, Hereditary; Hereditary Cancer Syndrome. Identifiers: Orphanet 140162, MedGen C0027672, MeSH D009386, MONDO:0015356.

Submissions (3):

KCCC/NGS Laboratory, Kuwait Cancer Control Center
Classification: Uncertain significance for Familial cancer of breast. Last evaluated: 2025-12-01. Review status: criteria provided, single submitter. Criteria: ACMG Guidelines, 2015. Collection method: clinical testing. Allele origin: germline. Inheritance: Autosomal dominant inheritance. Affected: yes.
Comment: the available evidence is currently insufficient to determine the role of this variant in disease. Therefore, it has been classified as a Variant of Uncertain Significance.

Labcorp Genetics (formerly Invitae), Labcorp
Classification: Uncertain significance for Familial cancer of breast; Fanconi anemia complementation group J. Last evaluated: 2024-01-16. Review status: criteria provided, single submitter. Criteria: Invitae Variant Classification Sherloc (09022015). Collection method: clinical testing. Allele origin: germline.
Comment: This sequence change replaces aspartic acid, which is acidic and polar, with glutamic acid, which is acidic and polar, at codon 846 of the BRIP1 protein (p.Asp846Glu). This variant is not present in population databases (gnomAD no frequency). This variant has not been reported in the literature in individuals affected with BRIP1-related conditions. ClinVar contains an entry for this variant (Variation ID: 1718319). Advanced modeling of protein sequence and biophysical properties (such as structural, functional, and spatial information, amino acid conservation, physicochemical variation, residue mobility, and thermodynamic stability) has been performed at Invitae for this missense variant, however the output from this modeling did not meet the statistical confidence thresholds required to predict the impact of this variant on BRIP1 protein function. In summary, the available evidence is currently insufficient to determine the role of this variant in disease. Therefore, it has been classified as a Variant of Uncertain Significance.

Ambry Genetics
Classification: Uncertain significance for Hereditary cancer-predisposing syndrome. Last evaluated: 2021-12-04. Review status: criteria provided, single submitter. Criteria: Ambry Variant Classification Scheme 2023. Collection method: clinical testing. Allele origin: germline.
Comment: The p.D846E variant (also known as c.2538T>G), located in coding exon 17 of the BRIP1 gene, results from a T to G substitution at nucleotide position 2538. The aspartic acid at codon 846 is replaced by glutamic acid, an amino acid with highly similar properties. This amino acid position is conserved. In addition, this alteration is predicted to be deleterious by in silico analysis. Since supporting evidence is limited at this time, the clinical significance of this alteration remains unclear.